The following is an entry in ClinVar:

ClinVar aggregate classification (germline): Uncertain significance (1 of 4 stars; one submission).

Submission:

Ambry Genetics
Classification: Uncertain significance. Last evaluated: 2023-05-06. Review status: criteria provided, single submitter. Criteria: Ambry Variant Classification Scheme 2023. Collection method: clinical testing. Allele origin: germline.
Comment: The p.S1560T variant (also known as c.4678T>A), located in coding exon 4 of the ALPK2 gene, results from a T to A substitution at nucleotide position 4678. The serine at codon 1560 is replaced by threonine, an amino acid with similar properties. This amino acid position is conserved. In addition, this alteration is predicted to be tolerated by in silico analysis. Since supporting evidence is limited at this time, the clinical significance of this alteration remains unclear.

NM_052947.4(ALPK2):c.4678T>A (p.Ser1560Thr)

Genes: ALPK2 (alpha kinase 2; minus strand), LOC126862764 (BRD4-independent group 4 enhancer GRCh37_chr18:56202574-56203773; plus strand). Cytogenetic location: 18q21.31.
Variant type: single nucleotide variant.
Coding change: c.4678T>A on transcript NM_052947.4 (MANE Select); coding-DNA position 4678, T replaced by A.
Protein change: p.Ser1560Thr; replaces serine 1560 with threonine.
Molecular consequence: missense variant.
Genome position (GRCh38, 1-based): chr18:58,535,509, A>T on the plus strand (T>A on the coding strand, the complement: ALPK2 is on the minus strand). VCF-style: chr18-58535509-A-T. GRCh37 (hg19) VCF-style: chr18-56202741-A-T.
Other names: short protein forms S1560T.
Identifiers: ClinVar variation 2564069 (VCV002564069.2), dbSNP rs2518874256, ClinGen allele CA402560462.
Genomic context (GRCh38, chr18:58,535,509, plus strand): 5'-ACTGACGCTTTCTGGGCTCAACTATGTCATTTTCAGGGACGTCATGAATTTGGCCTGTGG[A>T]GTTGTGCGTGTCAACCCCAAGAGAAGCGTGAGTCATTATTGGAAGACAACTAGAAAGAGG-3'
Protein context (NP_443179.3, residues 1550-1570): HASLGVDTHN[Ser1560Thr]TGQIHDVPEN